The following is an entry in ClinVar:

ClinVar aggregate classification (germline): Uncertain significance. Review status: criteria provided, multiple submitters, no conflicts (2 of 4 stars). 2 submissions from 2 submitters: Uncertain significance (2). Last evaluated 2024-10-30.

Conditions:
Cardiovascular phenotype. Identifiers: MedGen CN230736.

Allele frequency attached by ClinVar (database versions not stated): gnomAD exomes 0.00001.
gnomAD v4.1: 3 of 1,612,532 alleles (0.00019%); highest among the groups gnomAD compares: Non-Finnish European, 0.00025%; no homozygotes.

Submissions (2):

GeneDx
Classification: Uncertain significance. Last evaluated: 2024-10-30. Review status: criteria provided, single submitter. Criteria: GeneDx Variant Classification Process June 2021. Collection method: clinical testing. Allele origin: germline. Affected: yes.
Comment: Not observed at significant frequency in large population cohorts (gnomAD); In silico analysis indicates that this missense variant does not alter protein structure/function; Has not been previously published as pathogenic or benign to our knowledge

Ambry Genetics
Classification: Uncertain significance for Cardiovascular phenotype. Last evaluated: 2021-11-28. Review status: criteria provided, single submitter. Criteria: Ambry Variant Classification Scheme 2023. Collection method: clinical testing. Allele origin: germline.
Comment: The p.I1216T variant (also known as c.3647T>C), located in coding exon 6 of the ALPK3 gene, results from a T to C substitution at nucleotide position 3647. The isoleucine at codon 1216 is replaced by threonine, an amino acid with similar properties. This amino acid position is conserved. In addition, the in silico prediction for this alteration is inconclusive. Since supporting evidence is limited at this time, the clinical significance of this alteration remains unclear.

NM_020778.5(ALPK3):c.3041T>C (p.Ile1014Thr)

Gene: ALPK3 (alpha kinase 3; plus strand). Cytogenetic location: 15q25.3.
Variant type: single nucleotide variant.
Coding change: c.3041T>C on transcript NM_020778.5 (MANE Select); coding-DNA position 3041, T replaced by C.
Protein change: p.Ile1014Thr; replaces isoleucine 1014 with threonine.
Molecular consequence: missense variant.
Genome position (GRCh38, 1-based): chr15:84,857,779, T>C. VCF-style: chr15-84857779-T-C. GRCh37 (hg19) VCF-style: chr15-85401010-T-C.
Other names: short protein forms I1014T.
Identifiers: ClinVar variation 1733562 (VCV001733562.3), dbSNP rs1172838623, ClinGen allele CA393359480.